The following is an entry in ClinVar:

ClinVar aggregate classification (germline): Uncertain significance (1 of 4 stars; one submission).

Submission:

GeneDx
Classification: Uncertain significance. Last evaluated: 2023-06-09. Review status: criteria provided, single submitter. Criteria: GeneDx Variant Classification Process June 2021. Collection method: clinical testing. Allele origin: germline. Affected: yes.
Comment: Not observed at significant frequency in large population cohorts (gnomAD); In silico analysis supports that this missense variant has a deleterious effect on protein structure/function; Has not been previously published as pathogenic or benign to our knowledge

NM_001348323.3(TRIP12):c.6188C>T (p.Ser2063Leu)

Gene: TRIP12 (thyroid hormone receptor interactor 12; minus strand). Cytogenetic location: 2q36.3.
Variant type: single nucleotide variant.
Coding change: c.6188C>T on transcript NM_001348323.3 (MANE Select); coding-DNA position 6188, C replaced by T.
Protein change: p.Ser2063Leu; replaces serine 2063 with leucine.
Molecular consequence: missense variant.
Genome position (GRCh38, 1-based): chr2:229,767,570, G>A on the plus strand (C>T on the coding strand, the complement: TRIP12 is on the minus strand). VCF-style: chr2-229767570-G-A. GRCh37 (hg19) VCF-style: chr2-230632286-G-A.
Other names: c.6107C>T, p.Ser2036Leu (NM_001284214.2, NM_001348315.2); c.6062C>T, p.Ser2021Leu (NM_001284215.2, NM_001348316.2); c.5153C>T, p.Ser1718Leu (NM_001284216.2); c.6047C>T, p.Ser2016Leu (NM_001348317.1, NM_001348318.2); c.6173C>T, p.Ser2058Leu (NM_001348319.1, NM_001348320.2); c.6176C>T, p.Ser2059Leu (NM_001348321.1); c.6188C>T, p.Ser2063Leu (NM_001348322.1, NM_001348324.2, NM_001348325.2 and 2 more transcripts); c.6191C>T, p.Ser2064Leu (NM_001348328.1, NM_001348329.2, NM_001348330.2); and 4 more; short protein forms S1718L, S1988L, S1989L, S2016L, S2021L, S2029L, S2036L, S2037L.
Identifiers: ClinVar variation 3359710 (VCV003359710.1).